The following is an entry in ClinVar:

NM_014974.3(DIP2C):c.3125C>T (p.Ala1042Val)

Gene: DIP2C (disco interacting protein 2 homolog C; minus strand). Cytogenetic location: 10p15.3.
Variant type: single nucleotide variant.
Coding change: c.3125C>T on transcript NM_014974.3 (MANE Select); coding-DNA position 3125, C replaced by T.
Protein change: p.Ala1042Val; replaces alanine 1042 with valine.
Molecular consequence: missense variant.
Genome position (GRCh38, 1-based): chr10:348,747, G>A on the plus strand (C>T on the coding strand, the complement: DIP2C is on the minus strand). VCF-style: chr10-348747-G-A. GRCh37 (hg19) VCF-style: chr10-394687-G-A.
Other names: short protein forms A1042V.
Identifiers: ClinVar variation 4082683 (VCV004082683.1).

ClinVar aggregate classification (germline): Uncertain significance (1 of 4 stars; one submission).

Submission:

GeneDx
Classification: Uncertain significance. Last evaluated: 2025-03-11. Review status: criteria provided, single submitter. Criteria: GeneDx Variant Classification Process June 2021. Collection method: clinical testing. Allele origin: germline. Affected: yes.
Comment: Not observed at significant frequency in large population cohorts (gnomAD); In silico analysis supports that this missense variant has a deleterious effect on protein structure/function; In silico analysis is inconclusive as to whether the variant alters gene splicing. In the absence of RNA/functional studies, the actual effect of this sequence change is unknown.; Has not been previously published as pathogenic or benign to our knowledge